The following is an entry in ClinVar:

ClinVar aggregate classification (germline): Uncertain significance. Review status: no assertion criteria provided (0 of 4 stars). 2 submissions from 1 submitter: Uncertain significance (1). 1 of the submissions does not count toward it.

Submissions (2):

Richard Lifton Laboratory, Yale University School of Medicine
Classification: Uncertain significance. Review status: no assertion criteria provided. Collection method: not provided. Allele origin: somatic.
Comment: DMBT1:p.S338P
ClinVar note: Converted during submission from unknown to Uncertain significance.

Richard Lifton Laboratory, Yale University School of Medicine
Classification: Uncertain significance. Review status: flagged submission. Collection method: not provided. Allele origin: somatic. Not counted in ClinVar's aggregate classification.
ClinVar note: Converted during submission from unknown to Uncertain significance.
ClinVar note: Reason: This record appears to be redundant with a more recent record from the same submitter.
ClinVar note: Notes: SCV000120081 appears to be redundant with SCV000155185.

NM_001377530.1(DMBT1):c.1012T>C (p.Ser338Pro)

Gene: DMBT1 (deleted in malignant brain tumors 1; plus strand). Cytogenetic location: 10q26.13.
Variant type: single nucleotide variant.
Coding change: c.1012T>C on transcript NM_001377530.1 (MANE Select); coding-DNA position 1012, T replaced by C.
Protein change: p.Ser338Pro; replaces serine 338 with proline.
Molecular consequence: missense variant.
Genome position (GRCh38, 1-based): chr10:122,580,874, T>C. VCF-style: chr10-122580874-T-C. GRCh37 (hg19) VCF-style: chr10-124340390-T-C.
Other names: c.1012T>C, p.Ser338Pro (NM_001320644.2, NM_004406.3, NM_007329.3 and 1 more transcripts); short protein forms S338P.
Identifiers: ClinVar variation 100857 (VCV000100857.2), dbSNP rs483352734, ClinGen allele CA229140.